The following is an entry in ClinVar:

NM_001375567.1(FOCAD):c.401C>T (p.Pro134Leu)

Gene: FOCAD (focadhesin; plus strand). Cytogenetic location: 9p21.3.
Variant type: single nucleotide variant.
Coding change: c.401C>T on transcript NM_001375567.1 (MANE Select); coding-DNA position 401, C replaced by T.
Protein change: p.Pro134Leu; replaces proline 134 with leucine.
Molecular consequence: missense variant.
Genome position (GRCh38, 1-based): chr9:20,758,098, C>T. VCF-style: chr9-20758098-C-T. GRCh37 (hg19) VCF-style: chr9-20758097-C-T.
Other names: c.401C>T, p.Pro134Leu (NM_001375568.1, NM_017794.5); c.296C>T, p.Pro99Leu (NM_001375570.1); short protein forms P134L, P99L.
Identifiers: ClinVar variation 2712693 (VCV002712693.3), dbSNP rs143814736, ClinGen allele CA5006344.

ClinVar aggregate classification (germline): Uncertain significance (1 of 4 stars; one submission).

Allele frequency attached by ClinVar (database versions not stated): ExAC 0.00018; ESP Exome Variant Server 0.00023; 1000 Genomes Project 30x 0.00031; 1000 Genomes Project 0.00040.
gnomAD v4.1: 367 of 1,604,624 alleles (0.023%); highest among the groups gnomAD compares: Admixed American, 0.029%; no homozygotes.

Submission:

Labcorp Genetics (formerly Invitae), Labcorp
Classification: Uncertain significance. Last evaluated: 2025-10-06. Review status: criteria provided, single submitter. Criteria: Invitae Variant Classification Sherloc (09022015). Collection method: clinical testing. Allele origin: germline.
Comment: This sequence change replaces proline, which is neutral and non-polar, with leucine, which is neutral and non-polar, at codon 134 of the FOCAD protein (p.Pro134Leu). This variant is present in population databases (rs143814736, gnomAD 0.03%). This missense change has been observed in individual(s) with polyposis (PMID: 31243857). ClinVar contains an entry for this variant (Variation ID: 2712693). Experimental studies and prediction algorithms are not available or were not evaluated, and the functional significance of this variant is currently unknown. In summary, the available evidence is currently insufficient to determine the role of this variant in disease. Therefore, it has been classified as a Variant of Uncertain Significance.

Literature cited by the submitters: PubMed 31243857.